The following is an entry in ClinVar:

NM_000141.5(FGFR2):c.344G>A (p.Ser115Asn)

Gene: FGFR2 (fibroblast growth factor receptor 2; minus strand). Cytogenetic location: 10q26.13.
Variant type: single nucleotide variant.
Coding change: c.344G>A on transcript NM_000141.5 (MANE Select); coding-DNA position 344, G replaced by A.
Protein change: p.Ser115Asn; replaces serine 115 with asparagine.
Molecular consequence: missense variant. On other transcripts: intron variant (9).
Genome position (GRCh38, 1-based): chr10:121,565,470, C>T on the plus strand (G>A on the coding strand, the complement: FGFR2 is on the minus strand). VCF-style: chr10-121565470-C-T. GRCh37 (hg19) VCF-style: chr10-123324984-C-T.
Other names: c.344G>A, p.Ser115Asn (NM_001144913.1, NM_001144914.1, NM_001144917.2 and 3 more transcripts); c.110-14011G>A (NM_001144918.2, NM_001441091.1, NM_001441090.1 and 1 more transcripts); c.110-891G>A (NM_001441089.1, NM_023029.3, NM_001441088.1 and 2 more transcripts); short protein forms S115N.
Identifiers: ClinVar variation 994367 (VCV000994367.13), dbSNP rs867109770, ClinGen allele CA214300080.
Genomic context (GRCh38, chr10:121,565,470, plus strand): 5'-AGAGCATAGTGCTGGCGGGCCAACTCACCTGTGACATTCACCATGAAGTACCAAGTTTCA[C>T]TGTCTACAGTCCTACTGGCAGTACAAGCATAGAGGCCGGAGTCTCTAGGCGTGGCGCCCT-3'
Protein context (NP_000132.3, residues 105-125): YACTASRTVD[Ser115Asn]ETWYFMVNVT

ClinVar aggregate classification (germline): Uncertain significance. Review status: criteria provided, multiple submitters, no conflicts (2 of 4 stars). 5 submissions from 5 submitters: Uncertain significance (5). Last evaluated 2025-11-06.

Conditions:
FGFR2-related disorder. Identifiers: MedGen CN380096.
FGFR2-related craniosynostosis. Identifiers: MedGen CN231480.
Inborn genetic diseases. Identifiers: MedGen C0950123, MeSH D030342.

Allele frequency attached by ClinVar (database versions not stated): gnomAD 0.00003; TOPMed 0.00006; gnomAD exomes below 0.00001.
gnomAD v4.1: 8 of 1,614,098 alleles (0.0005%); highest among the groups gnomAD compares: African/African-American, 0.0067%; no homozygotes.

Submissions (5):

Ambry Genetics
Classification: Uncertain significance for Inborn genetic diseases. Last evaluated: 2025-11-06. Review status: criteria provided, single submitter. Criteria: Ambry Variant Classification Scheme 2023. Collection method: clinical testing. Allele origin: germline.

Women's Health and Genetics/Laboratory Corporation of America, LabCorp
Classification: Uncertain significance. Last evaluated: 2025-09-09. Review status: criteria provided, single submitter. Criteria: LabCorp Variant Classification Summary - May 2015. Collection method: clinical testing. Allele origin: germline.
Comment: Variant summary: FGFR2 c.344G>A (p.Ser115Asn) results in a conservative amino acid change in the encoded protein sequence. Algorithms developed to predict the effect of missense changes on protein structure and function are either unavailable or do not agree on the potential impact of this missense change. The variant was absent in 250862 control chromosomes. The available data on variant occurrences in the general population are insufficient to allow any conclusion about variant significance. To our knowledge, no occurrence of c.344G>A in individuals affected with FGFR2-related conditions and no experimental evidence demonstrating its impact on protein function have been reported. ClinVar contains an entry for this variant (Variation ID: 994367). Based on the evidence outlined above, the variant was classified as uncertain significance.

Clinical Genomics Laboratory, Washington University in St. Louis
Classification: Uncertain significance for FGFR2-related disorder. Last evaluated: 2025-06-13. Review status: criteria provided, single submitter. Criteria: ACMG Guidelines, 2015. Collection method: clinical testing. Allele origin: germline.
Comment: An FGFR2 c.344G>A (p.Ser115Asn) variant was identified at a heterozygous allelic fraction of 50.4%, a frequency which may be consistent with germline origin. This variant, to our knowledge, has not been reported in the medical literature. The FGFR2 c.344G>A (p.Ser115Asn) variant has been reported in the ClinVar database as a germline variant of uncertain significance by two submitters (ClinVar ID: 994367). It is only observed on 8/1,614,098 alleles in the general population (gnomAD v.4.1.0), indicating it is not a common variant. Computational predictors suggest that the variant does not impact FGFR2 function. Due to limited information, and based on ACMG/AMP guidelines for variant interpretation (Richards S et al., PMID: 25741868), the clinical significance of this variant is uncertain at this time.

Labcorp Genetics (formerly Invitae), Labcorp
Classification: Uncertain significance for FGFR2-related craniosynostosis. Last evaluated: 2025-03-01. Review status: criteria provided, single submitter. Criteria: Invitae Variant Classification Sherloc (09022015). Collection method: clinical testing. Allele origin: germline.
Comment: This sequence change replaces serine, which is neutral and polar, with asparagine, which is neutral and polar, at codon 115 of the FGFR2 protein (p.Ser115Asn). This variant is present in population databases (no rsID available, gnomAD 0.01%). This variant has not been reported in the literature in individuals affected with FGFR2-related conditions. ClinVar contains an entry for this variant (Variation ID: 994367). Invitae Evidence Modeling of protein sequence and biophysical properties (such as structural, functional, and spatial information, amino acid conservation, physicochemical variation, residue mobility, and thermodynamic stability) has been performed for this missense variant. However, the output from this modeling did not meet the statistical confidence thresholds required to predict the impact of this variant on FGFR2 protein function. In summary, the available evidence is currently insufficient to determine the role of this variant in disease. Therefore, it has been classified as a Variant of Uncertain Significance.

ARUP Laboratories, Molecular Genetics and Genomics, ARUP Laboratories
Classification: Uncertain significance. Last evaluated: 2020-07-02. Review status: criteria provided, single submitter. Criteria: ARUP Molecular Germline Variant Investigation Process. Collection method: clinical testing. Allele origin: germline.
Comment: The FGFR2 c.344G>A; p.Ser115Asn variant (rs867109770), to our knowledge, is not reported in the medical literature or gene specific databases. This variant is only observed on one allele in the Genome Aggregation Database, indicating it is not a common polymorphism. The serine at codon 115 is moderately conserved, and computational analyses (SIFT, PolyPhen-2) predict that this variant is tolerated. Due to limited information, the clinical significance of the p.Ser115Asn variant is uncertain at this time.